The following is an entry in ClinVar:

NM_000168.6(GLI3):c.634T>A (p.Ser212Thr)

Gene: GLI3 (GLI family zinc finger 3; minus strand). Cytogenetic location: 7p14.1.
Variant type: single nucleotide variant.
Coding change: c.634T>A on transcript NM_000168.6 (MANE Select); coding-DNA position 634, T replaced by A.
Protein change: p.Ser212Thr; replaces serine 212 with threonine.
Molecular consequence: missense variant.
Genome position (GRCh38, 1-based): chr7:42,048,536, A>T on the plus strand (T>A on the coding strand, the complement: GLI3 is on the minus strand). VCF-style: chr7-42048536-A-T. GRCh37 (hg19) VCF-style: chr7-42088135-A-T.
Other names: short protein forms S212T.
Identifiers: ClinVar variation 1712184 (VCV001712184.3), dbSNP rs749750615, ClinGen allele CA4231129.
Genomic context (GRCh38, chr7:42,048,536, plus strand): 5'-CCATCCTGGACTTACCATCTGTAGGGCTCAGCCCACGGGTTGCTGAGATCATGGAGAGCG[A>T]TGGGCTGCTGTGCAAGGAGCGGATATAGTCCATGTAGGGATTAATGTAGGGATGTGGAGG-3'
Protein context (NP_000159.3, residues 202-222): DYIRSLHSSP[Ser212Thr]LSMISATRGL

ClinVar aggregate classification (germline): Likely benign (1 of 4 stars; one submission).

Allele frequency attached by ClinVar (database versions not stated): ExAC 0.00001.
gnomAD v4.1: 2 of 1,613,450 alleles (0.00012%); highest among the groups gnomAD compares: Non-Finnish European, 0.00017%; no homozygotes.

Submission:

GeneDx
Classification: Likely benign. Last evaluated: 2024-09-19. Review status: criteria provided, single submitter. Criteria: GeneDx Variant Classification Process June 2021. Collection method: clinical testing. Allele origin: germline. Affected: yes.
Comment: See Variant Classification Assertion Criteria.